The following is an entry in ClinVar:

ClinVar aggregate classification (germline): Uncertain significance (1 of 4 stars; one submission).

Allele frequency attached by ClinVar (database versions not stated): TOPMed 0.00001; gnomAD 0.00008; gnomAD exomes 0.00010; ExAC 0.00028; 1000 Genomes Project 0.00120; 1000 Genomes Project 30x 0.00125.
gnomAD v4.1: 156 of 1,612,400 alleles (0.0097%); highest among the groups gnomAD compares: South Asian, 0.16%; 3 homozygotes.

Submission:

Labcorp Genetics (formerly Invitae), Labcorp
Classification: Uncertain significance. Last evaluated: 2023-10-17. Review status: criteria provided, single submitter. Criteria: Invitae Variant Classification Sherloc (09022015). Collection method: clinical testing. Allele origin: germline.
Comment: This sequence change replaces leucine, which is neutral and non-polar, with phenylalanine, which is neutral and non-polar, at codon 239 of the LSR protein (p.Leu239Phe). This variant is present in population databases (rs557223558, gnomAD 0.2%), and has an allele count higher than expected for a pathogenic variant. This variant has not been reported in the literature in individuals affected with LSR-related conditions. An algorithm developed to predict the effect of missense changes on protein structure and function (PolyPhen-2) suggests that this variant is likely to be disruptive. In summary, the available evidence is currently insufficient to determine the role of this variant in disease. Therefore, it has been classified as a Variant of Uncertain Significance.

NM_205834.4(LSR):c.571C>T (p.Leu191Phe)

Gene: LSR (lipolysis stimulated lipoprotein receptor; plus strand). Cytogenetic location: 19q13.12.
Variant type: single nucleotide variant.
Coding change: c.571C>T on transcript NM_205834.4 (MANE Select); coding-DNA position 571, C replaced by T.
Protein change: p.Leu191Phe; replaces leucine 191 with phenylalanine.
Molecular consequence: missense variant. On other transcripts: intron variant (1).
Genome position (GRCh38, 1-based): chr19:35,259,061, C>T. VCF-style: chr19-35259061-C-T. GRCh37 (hg19) VCF-style: chr19-35749964-C-T.
Other names: c.571C>T, p.Leu191Phe (NM_001260489.2, NM_001385215.1, NM_015925.7 and 1 more transcripts); c.455-7298C>T (NM_001260490.2); short protein forms L191F.
Identifiers: ClinVar variation 2886900 (VCV002886900.3), dbSNP rs557223558, ClinGen allele CA9374721.